The following is an entry in ClinVar:

NM_000138.5(FBN1):c.4297A>T (p.Met1433Leu)

Genes: FBN1 (fibrillin 1; minus strand), LOC126862124 (CDK7 strongly-dependent group 2 enhancer GRCh37_chr15:48764566-48765765; plus strand). Cytogenetic location: 15q21.1.
Variant type: single nucleotide variant.
Coding change: c.4297A>T on transcript NM_000138.5 (MANE Select); coding-DNA position 4297, A replaced by T.
Protein change: p.Met1433Leu; replaces methionine 1433 with leucine.
Molecular consequence: missense variant.
Genome position (GRCh38, 1-based): chr15:48,472,590, T>A on the plus strand (A>T on the coding strand, the complement: FBN1 is on the minus strand). VCF-style: chr15-48472590-T-A. GRCh37 (hg19) VCF-style: chr15-48764787-T-A.
Other names: c.4297A>T, p.Met1433Leu (NM_001406716.1); short protein forms M1433L.
Identifiers: ClinVar variation 1929753 (VCV001929753.6), dbSNP rs2043385350, ClinGen allele CA392317670.
Genomic context (GRCh38, chr15:48,472,590, plus strand): 5'-AGTGGCTTCCCCATCAGTTACCTTCACAGGCTTTCCCGTCAGCACTGGGCACGAAGCCCA[T>A]GTCGCATTCACAGCGGTATCCTCCTGGTGCATTGAGGCACTGGCCATTGCCACAGAGATT-3'
Protein context (NP_000129.3, residues 1423-1443): APGGYRCECD[Met1433Leu]GFVPSADGKA

ClinVar aggregate classification (germline): Uncertain significance. Review status: criteria provided, multiple submitters, no conflicts (2 of 4 stars). 2 submissions from 2 submitters: Uncertain significance (2). Last evaluated 2024-03-18.

Conditions:
Familial thoracic aortic aneurysm and aortic dissection (TAAD). Also called: Thoracic aortic aneurysms and dissections. Identifiers: Orphanet 91387, MedGen C4707243, MONDO:0019625.
Marfan syndrome (MFS). Also called: MARFAN SYNDROME, TYPE I; Marfan syndrome type 1; Marfan's syndrome; Marfan syndrome, classic; FBN1-Related Marfan Syndrome. Identifiers: Orphanet 284963, Orphanet 558, MedGen C0024796, MONDO:0007947, OMIM 154700.

Allele frequency attached by ClinVar (database versions not stated): TOPMed 0.00001.

Submissions (2):

Labcorp Genetics (formerly Invitae), Labcorp
Classification: Uncertain significance for Marfan syndrome; Familial thoracic aortic aneurysm and aortic dissection. Last evaluated: 2024-03-18. Review status: criteria provided, single submitter. Criteria: Invitae Variant Classification Sherloc (09022015). Collection method: clinical testing. Allele origin: germline.
Comment: This sequence change replaces methionine, which is neutral and non-polar, with leucine, which is neutral and non-polar, at codon 1433 of the FBN1 protein (p.Met1433Leu). This variant is not present in population databases (gnomAD no frequency). This variant has not been reported in the literature in individuals affected with FBN1-related conditions. ClinVar contains an entry for this variant (Variation ID: 1929753). Advanced modeling of protein sequence and biophysical properties (such as structural, functional, and spatial information, amino acid conservation, physicochemical variation, residue mobility, and thermodynamic stability) has been performed at Invitae for this missense variant, however the output from this modeling did not meet the statistical confidence thresholds required to predict the impact of this variant on FBN1 protein function. In summary, the available evidence is currently insufficient to determine the role of this variant in disease. Therefore, it has been classified as a Variant of Uncertain Significance.

GeneDx
Classification: Uncertain significance. Last evaluated: 2023-09-01. Review status: criteria provided, single submitter. Criteria: GeneDx Variant Classification Process June 2021. Collection method: clinical testing. Allele origin: germline. Affected: yes.
Comment: Has not been previously published as pathogenic or benign to our knowledge; Not observed at significant frequency in large population cohorts (gnomAD); Although located in a calcium-binding EGF-like domain of the FBN1 gene, it does not affect a cysteine residue within this domain; cysteine substitutions in the calcium-binding EGF-like domains represent the majority of pathogenic missense changes associated with FBN1-related disorders (Collod-Beroud et al., 2003); In silico analysis supports that this missense variant has a deleterious effect on protein structure/function; This variant is associated with the following publications: (PMID: 12938084)